The following is an entry in ClinVar:

NM_020975.6(RET):c.1001G>A (p.Trp334Ter)

Gene: RET (ret proto-oncogene; plus strand). Cytogenetic location: 10q11.21.
Variant type: single nucleotide variant.
Coding change: c.1001G>A on transcript NM_020975.6 (MANE Select); coding-DNA position 1001, G replaced by A.
Protein change: p.Trp334Ter; replaces tryptophan 334 with a stop codon.
Molecular consequence: nonsense.
Genome position (GRCh38, 1-based): chr10:43,106,509, G>A. VCF-style: chr10-43106509-G-A. GRCh37 (hg19) VCF-style: chr10-43601957-G-A.
Other names: c.1001G>A, p.Trp334Ter (NM_000323.2, NM_001406743.1, NM_001406744.1 and 6 more transcripts); c.239G>A, p.Trp80Ter (NM_001355216.2); c.872G>A, p.Trp291Ter (NM_001406761.1, NM_001406762.1, NM_001406764.1 and 1 more transcripts); c.713G>A, p.Trp238Ter (NM_001406766.1, NM_001406767.1, NM_001406770.1); short protein forms W238*, W334*, W80*, W291*.
Identifiers: ClinVar variation 2024200 (VCV002024200.4), dbSNP rs2538404690, ClinGen allele CA376546329.
Genomic context (GRCh38, chr10:43,106,509, plus strand): 5'-ACACAAGCACGCTGCTCCCCGGGGACACCTGGGCCCAGCAGACCTTCCGGGTGGAACACT[G>A]GCCCAACGAGACCTCGGTCCAGGCCAACGGCAGCTTCGTGCGGGCGACCGTACATGACTA-3'

ClinVar aggregate classification (germline): Pathogenic (1 of 4 stars; one submission).

Conditions:
Multiple endocrine neoplasia, type 2 (MEN2). Identifiers: Orphanet 653, MedGen C4048306, MONDO:0019003. Disease mechanism: gain of function.

Submission:

Labcorp Genetics (formerly Invitae), Labcorp
Classification: Pathogenic for Multiple endocrine neoplasia, type 2. Last evaluated: 2022-08-15. Review status: criteria provided, single submitter. Criteria: Invitae Variant Classification Sherloc (09022015). Collection method: clinical testing. Allele origin: germline.
Comment: For these reasons, this variant has been classified as Pathogenic. This variant has not been reported in the literature in individuals affected with RET-related conditions. This variant is not present in population databases (gnomAD no frequency). This sequence change creates a premature translational stop signal (p.Trp334*) in the RET gene. It is expected to result in an absent or disrupted protein product. Loss-of-function variants in RET are known to be pathogenic (PMID: 22174939, 22648184).

Literature cited by the submitters: PubMed 22174939; PubMed 22648184.